The following is an entry in ClinVar:

NM_000419.5(ITGA2B):c.1211-1G>C

Gene: ITGA2B (integrin subunit alpha 2b; minus strand). Cytogenetic location: 17q21.31.
Variant type: single nucleotide variant.
Coding change: c.1211-1G>C on transcript NM_000419.5 (MANE Select); the canonical splice acceptor site of the intron before coding-DNA position 1211, G replaced by C.
Molecular consequence: splice acceptor variant.
Genome position (GRCh38, 1-based): chr17:44,381,062, C>G on the plus strand (G>C on the coding strand, the complement: ITGA2B is on the minus strand). VCF-style: chr17-44381062-C-G. GRCh37 (hg19) VCF-style: chr17-42458430-C-G.
Identifiers: ClinVar variation 626981 (VCV000626981.2), dbSNP rs1598380380, ClinGen allele CA399803822.
Genomic context (GRCh38, chr17:44,381,062, plus strand): 5'-GGAACACCAGCACTTGGCCCCGGCCACTGGGACCCCCGTAGGGGGCAGCCACTGCAATGT[C>G]TGGAAGGAGTAACAGAAAGGAAGTGGCTGATTGTTATTCAGCCTCCCTAGATGACTGTAA-3'

ClinVar aggregate classification (germline): Likely pathogenic. Review status: reviewed by expert panel (3 of 4 stars). 2 submissions from 2 submitters: Likely pathogenic (1). 1 of the submissions does not count toward it. Last evaluated 2024-05-02.

Conditions:
Glanzmann thrombasthenia. Also called: BLEEDING DISORDER, PLATELET-TYPE, 2; THROMBASTHENIA OF GLANZMANN AND NAEGELI; Thrombasthenia; PLATELET GLYCOPROTEIN IIb-IIIa DEFICIENCY; Glanzmann's thrombasthenia. Identifiers: Orphanet 849, MedGen C0040015, MONDO:0100326.

Submissions (2):

ClinGen Platelet Disorders Variant Curation Expert Panel, ClinGen
Classification: Likely pathogenic for Glanzmann thrombasthenia. Last evaluated: 2024-05-02. Review status: reviewed by expert panel. Criteria: ClinGen Platelet ACMG Specifications v2-1. Collection method: curation. Allele origin: germline. Inheritance: Autosomal recessive inheritance.
Comment: The NM_000419.5(ITGA2B):c.1211-1G>C splice variant is predicted to result in the loss of exon 13, causing an in-frame deletion of 60 amino acids. This exon loss occurs within the critical ligand binding extracellular domain (PVS1_strong). The variant is absent from gnomADv4.0.0 (PM2_supporting). The variant has has been reported in one homozygous patient stated to Glanzmann thrombasthenia (PM3_supporting, PMID: 31064749). In summary, this variant meets the criteria to be classified as Likely Pathogenic for autosomal recessive Glanzmann Thrombasthenia based on the ACMG/AMP criteria applied, as specified by the ClinGen PD VCEP: PM2_Supporting, PM3_supporting, PVS1_strong (PD VCEP specifications version 2.1).

NIHR Bioresource Rare Diseases, University of Cambridge
Classification: Likely pathogenic for Glanzmann thrombasthenia 1. Last evaluated: 2019-02-01. Review status: criteria provided, single submitter. Criteria: ACMG Guidelines, 2015. Collection method: research. Allele origin: unknown. Affected: yes. Observed: 1 homozygote. Study: ThromboGenomics. Not counted in ClinVar's aggregate classification.

Literature cited by the submitters: PubMed 31064749 (cited by NIHR Bioresource Rare Diseases, University of Cambridge).